The following is an entry in ClinVar:

ClinVar aggregate classification (germline): Benign (1 of 4 stars; one submission).

Allele frequency attached by ClinVar (database versions not stated): 1000 Genomes Project 30x 0.00422; 1000 Genomes Project 0.00479; TOPMed 0.00756; ExAC 0.00803; gnomAD 0.00874.

Submission:

CeGaT Center for Human Genetics Tuebingen
Classification: Benign. Last evaluated: 2024-07-01. Review status: criteria provided, single submitter. Criteria: CeGaT Center For Human Genetics Tuebingen Variant Classification Criteria Version 2. Collection method: clinical testing. Allele origin: germline. Affected: yes. Observed: 17 variant alleles.
Comment: BICRA: BP4, BP7, BS1, BS2

NM_001394372.1(BICRA):c.492C>T (p.Thr164=)

Gene: BICRA (BRD4 interacting chromatin remodeling complex associated protein; plus strand). Cytogenetic location: 19q13.33.
Variant type: single nucleotide variant.
Coding change: c.492C>T on transcript NM_001394372.1 (MANE Select); coding-DNA position 492, C replaced by T.
Protein change: p.Thr164=; no amino-acid change (threonine 164 retained).
Molecular consequence: synonymous variant.
Genome position (GRCh38, 1-based): chr19:47,679,662, C>T. VCF-style: chr19-47679662-C-T. GRCh37 (hg19) VCF-style: chr19-48182919-C-T.
Other names: c.492C>T, p.Thr164= (NM_015711.3).
Identifiers: ClinVar variation 2578835 (VCV002578835.25), dbSNP rs117898943, ClinGen allele CA9541590.